The following is an entry in ClinVar:

ClinVar aggregate classification (germline): Uncertain significance (1 of 4 stars; one submission).

Conditions:
Aortic aneurysm, familial thoracic 6 (AAT6). Also called: FAMILIAL THORACIC AORTIC ANEURYSM WITH LIVEDO RETICULARIS AND IRIS FLOCCULI. Identifiers: MedGen C2673186, MONDO:0012730, OMIM 611788.

Submission:

Labcorp Genetics (formerly Invitae), Labcorp
Classification: Uncertain significance for Aortic aneurysm, familial thoracic 6. Last evaluated: 2022-11-11. Review status: criteria provided, single submitter. Criteria: Invitae Variant Classification Sherloc (09022015). Collection method: clinical testing. Allele origin: germline.
Comment: This sequence change replaces valine, which is neutral and non-polar, with isoleucine, which is neutral and non-polar, at codon 300 of the ACTA2 protein (p.Val300Ile). This variant is not present in population databases (gnomAD no frequency). This variant has not been reported in the literature in individuals affected with ACTA2-related conditions. ClinVar contains an entry for this variant (Variation ID: 649765). Advanced modeling of protein sequence and biophysical properties (such as structural, functional, and spatial information, amino acid conservation, physicochemical variation, residue mobility, and thermodynamic stability) performed at Invitae indicates that this missense variant is not expected to disrupt ACTA2 protein function. In summary, the available evidence is currently insufficient to determine the role of this variant in disease. Therefore, it has been classified as a Variant of Uncertain Significance.

NM_001613.4(ACTA2):c.898G>A (p.Val300Ile)

Genes: ACTA2-AS1 (ACTA2 antisense RNA 1; plus strand), ACTA2 (actin alpha 2, smooth muscle; minus strand). Cytogenetic location: 10q23.31.
Variant type: single nucleotide variant.
Coding change: c.898G>A on transcript NM_001613.4 (MANE Select); coding-DNA position 898, G replaced by A.
Protein change: p.Val300Ile; replaces valine 300 with isoleucine.
Molecular consequence: missense variant.
Genome position (GRCh38, 1-based): chr10:88,938,153, C>T on the plus strand (G>A on the coding strand, the complement: ACTA2 is on the minus strand). VCF-style: chr10-88938153-C-T. GRCh37 (hg19) VCF-style: chr10-90697910-C-T.
Other names: c.898G>A, p.Val300Ile (NM_001141945.3, NM_001320855.2, NM_001406462.1 and 2 more transcripts); c.787G>A, p.Val263Ile (NM_001406466.1); c.769G>A, p.Val257Ile (NM_001406467.1, NM_001406468.1, NM_001406469.1); c.706G>A, p.Val236Ile (NM_001406471.1); short protein forms V300I, V236I, V263I, V257I.
Identifiers: ClinVar variation 649765 (VCV000649765.10), dbSNP rs1589391505, ClinGen allele CA377510836.